The following is an entry in ClinVar:

NM_002528.7(NTHL1):c.728G>A (p.Trp243Ter)

Gene: NTHL1 (nth like DNA glycosylase 1; minus strand). Cytogenetic location: 16p13.3.
Variant type: single nucleotide variant.
Coding change: c.728G>A on transcript NM_002528.7 (MANE Select); coding-DNA position 728, G replaced by A.
Protein change: p.Trp243Ter; replaces tryptophan 243 with a stop codon.
Molecular consequence: nonsense.
Genome position (GRCh38, 1-based): chr16:2,040,196, C>T on the plus strand (G>A on the coding strand, the complement: NTHL1 is on the minus strand). VCF-style: chr16-2040196-C-T. GRCh37 (hg19) VCF-style: chr16-2090197-C-T.
Other names: c.557G>A, p.Trp186Ter (NM_001318193.2); c.398G>A, p.Trp133Ter (NM_001318194.2); short protein forms W243*, W133*, W186*.
Identifiers: ClinVar variation 962538 (VCV000962538.10), dbSNP rs1184801355, ClinGen allele CA394289092.

ClinVar aggregate classification (germline): Pathogenic. Review status: criteria provided, multiple submitters, no conflicts (2 of 4 stars). 2 submissions from 2 submitters: Pathogenic (2). Last evaluated 2023-08-28.

Conditions:
Hereditary cancer-predisposing syndrome. Also called: Tumor predisposition; Hereditary neoplastic syndrome; Hereditary Cancer Syndrome; Neoplastic Syndromes, Hereditary. Identifiers: Orphanet 140162, MedGen C0027672, MeSH D009386, MONDO:0015356.

Allele frequency attached by ClinVar (database versions not stated): gnomAD exomes below 0.00001.
gnomAD v4.1: 2 of 1,613,982 alleles (0.00012%); highest among the groups gnomAD compares: East Asian, 0.0022%; no homozygotes.

Submissions (2):

Labcorp Genetics (formerly Invitae), Labcorp
Classification: Pathogenic. Last evaluated: 2023-08-28. Review status: criteria provided, single submitter. Criteria: Invitae Variant Classification Sherloc (09022015). Collection method: clinical testing. Allele origin: germline.
Comment: For these reasons, this variant has been classified as Pathogenic. ClinVar contains an entry for this variant (Variation ID: 962538). This variant has not been reported in the literature in individuals affected with NTHL1-related conditions. This variant is present in population databases (no rsID available, gnomAD 0.006%). This sequence change creates a premature translational stop signal (p.Trp251*) in the NTHL1 gene. It is expected to result in an absent or disrupted protein product. Loss-of-function variants in NTHL1 are known to be pathogenic (PMID: 25938944, 26559593).

Ambry Genetics
Classification: Pathogenic for Hereditary cancer-predisposing syndrome. Last evaluated: 2022-09-23. Review status: criteria provided, single submitter. Criteria: Ambry Variant Classification Scheme 2023. Collection method: clinical testing. Allele origin: germline.
Comment: The p.W251* pathogenic mutation (also known as c.752G>A), located in coding exon 5 of the NTHL1 gene, results from a G to A substitution at nucleotide position 752. This changes the amino acid from a tryptophan to a stop codon within coding exon 5. This alteration is expected to result in loss of function by premature protein truncation or nonsense-mediated mRNA decay. As such, this alteration is interpreted as a disease-causing mutation.

Literature cited by the submitters: PubMed 25938944 (cited by Labcorp Genetics (formerly Invitae), Labcorp); PubMed 26559593 (cited by Labcorp Genetics (formerly Invitae), Labcorp).